The following is an entry in ClinVar:

ClinVar aggregate classification (germline): Uncertain significance (1 of 4 stars; one submission).

Conditions:
Cystinuria (CSNU). Also called: CYSTINURIA, TYPE I; CYSTINURIA, TYPE II; CYSTINURIA, TYPE III; Cystinuria, non-type I. Identifiers: Orphanet 214, MedGen C0010691, MONDO:0009067, OMIM 220100, HP:0003131.

Submission:

Labcorp Genetics (formerly Invitae), Labcorp
Classification: Uncertain significance for Cystinuria. Last evaluated: 2022-05-06. Review status: criteria provided, single submitter. Criteria: Invitae Variant Classification Sherloc (09022015). Collection method: clinical testing. Allele origin: germline.
Comment: Algorithms developed to predict the effect of missense changes on protein structure and function are either unavailable or do not agree on the potential impact of this missense change (SIFT: "Deleterious"; PolyPhen-2: "Probably Damaging"; Align-GVGD: "Class C0"). In summary, the available evidence is currently insufficient to determine the role of this variant in disease. Therefore, it has been classified as a Variant of Uncertain Significance. ClinVar contains an entry for this variant (Variation ID: 964604). This variant has not been reported in the literature in individuals affected with SLC3A1-related conditions. This variant is not present in population databases (gnomAD no frequency). This sequence change replaces glycine, which is neutral and non-polar, with aspartic acid, which is acidic and polar, at codon 310 of the SLC3A1 protein (p.Gly310Asp).

NM_000341.4(SLC3A1):c.929G>A (p.Gly310Asp)

Gene: SLC3A1 (solute carrier family 3 member 1; plus strand). Cytogenetic location: 2p21.
Variant type: single nucleotide variant.
Coding change: c.929G>A on transcript NM_000341.4 (MANE Select); coding-DNA position 929, G replaced by A.
Protein change: p.Gly310Asp; replaces glycine 310 with aspartic acid.
Molecular consequence: missense variant.
Genome position (GRCh38, 1-based): chr2:44,300,008, G>A. VCF-style: chr2-44300008-G-A. GRCh37 (hg19) VCF-style: chr2-44527147-G-A.
Other names: short protein forms G310D.
Identifiers: ClinVar variation 964604 (VCV000964604.9), dbSNP rs1671962088, ClinGen allele CA346681031.